The following is an entry in ClinVar:

NM_001277115.2(DNAH11):c.9511C>T (p.Gln3171Ter)

Gene: DNAH11 (dynein axonemal heavy chain 11; plus strand). Cytogenetic location: 7p15.3.
Variant type: single nucleotide variant.
Coding change: c.9511C>T on transcript NM_001277115.2 (MANE Select); coding-DNA position 9511, C replaced by T.
Protein change: p.Gln3171Ter; replaces glutamine 3171 with a stop codon.
Molecular consequence: nonsense.
Genome position (GRCh38, 1-based): chr7:21,784,454, C>T. VCF-style: chr7-21784454-C-T. GRCh37 (hg19) VCF-style: chr7-21824072-C-T.
Other names: c.9532C>T, p.Gln3178Ter (NM_003777.3); short protein forms Q3178*, Q3171*.
Identifiers: ClinVar variation 2836614 (VCV002836614.3), dbSNP rs2535252328, ClinGen allele CA366939062.

ClinVar aggregate classification (germline): Pathogenic (1 of 4 stars; one submission).

Conditions:
Primary ciliary dyskinesia. Also called: Ciliary dyskinesia. Identifiers: Orphanet 244, MedGen C0008780, MONDO:0016575, HP:0012265.

Submission:

Labcorp Genetics (formerly Invitae), Labcorp
Classification: Pathogenic for Primary ciliary dyskinesia. Last evaluated: 2023-02-13. Review status: criteria provided, single submitter. Criteria: Invitae Variant Classification Sherloc (09022015). Collection method: clinical testing. Allele origin: germline.
Comment: This sequence change creates a premature translational stop signal (p.Gln3171*) in the DNAH11 gene. It is expected to result in an absent or disrupted protein product. Loss-of-function variants in DNAH11 are known to be pathogenic (PMID: 18022865, 20513915, 22184204). This variant is not present in population databases (gnomAD no frequency). This variant has not been reported in the literature in individuals affected with DNAH11-related conditions. For these reasons, this variant has been classified as Pathogenic.

Literature cited by the submitters: PubMed 18022865; PubMed 20513915; PubMed 22184204.